The following is an entry in ClinVar:

NM_001083619.3(GRIA2):c.896T>C (p.Leu299Pro)

Gene: GRIA2 (glutamate ionotropic receptor AMPA type subunit 2; plus strand). Cytogenetic location: 4q32.1.
Variant type: single nucleotide variant.
Coding change: c.896T>C on transcript NM_001083619.3 (MANE Select); coding-DNA position 896, T replaced by C.
Protein change: p.Leu299Pro; replaces leucine 299 with proline.
Molecular consequence: missense variant.
Genome position (GRCh38, 1-based): chr4:157,332,832, T>C. VCF-style: chr4-157332832-T-C. GRCh37 (hg19) VCF-style: chr4-158253984-T-C.
Other names: c.896T>C, p.Leu299Pro (NM_000826.6); c.755T>C, p.Leu252Pro (NM_001083620.3, NM_001379000.3, NM_001379001.3); short protein forms L252P, L299P.
Identifiers: ClinVar variation 3376014 (VCV003376014.1).

ClinVar aggregate classification (germline): Uncertain significance (1 of 4 stars; one submission).

Submission:

GeneDx
Classification: Uncertain significance. Last evaluated: 2024-05-02. Review status: criteria provided, single submitter. Criteria: GeneDx Variant Classification Process June 2021. Collection method: clinical testing. Allele origin: germline. Affected: yes.
Comment: Not observed at significant frequency in large population cohorts (gnomAD); In silico analysis supports that this missense variant has a deleterious effect on protein structure/function; Has not been previously published as pathogenic or benign to our knowledge